The following is an entry in ClinVar:

NM_006612.6(KIF1C):c.799-43G>A

Genes: KIF1C (kinesin family member 1C; plus strand), LOC126862472 (CDK7 strongly-dependent group 2 enhancer GRCh37_chr17:4906716-4907915; plus strand). Cytogenetic location: 17p13.2.
Variant type: single nucleotide variant.
Coding change: c.799-43G>A on transcript NM_006612.6 (MANE Select); 43 bases into the intron before coding-DNA position 799, G replaced by A.
Molecular consequence: intron variant.
Genome position (GRCh38, 1-based): chr17:5,003,808, G>A. VCF-style: chr17-5003808-G-A. GRCh37 (hg19) VCF-style: chr17-4907103-G-A.
Identifiers: ClinVar variation 682850 (VCV000682850.2), dbSNP rs16954342, ClinGen allele CA8318744.

ClinVar aggregate classification (germline): Benign. Review status: criteria provided, multiple submitters, no conflicts (2 of 4 stars). 2 submissions from 2 submitters: Benign (2). Last evaluated 2018-06-14.

Allele frequency attached by ClinVar (database versions not stated): 1000 Genomes Project 30x 0.05481; ESP Exome Variant Server 0.05628; 1000 Genomes Project 0.05711; TOPMed 0.06128; gnomAD 0.06349 and 0.06375; gnomAD exomes 0.07193 and 0.07759; ExAC 0.07612.
gnomAD v4.1: 112,796 of 1,584,004 alleles (7.1%); highest among the groups gnomAD compares: Middle Eastern, 17%; 4,556 homozygotes.

Submissions (2):

GeneDx
Classification: Benign. Last evaluated: 2018-06-14. Review status: criteria provided, single submitter. Criteria: GeneDx Variant Classification (06012015). Collection method: clinical testing. Allele origin: germline. Affected: yes.
Comment: This variant is considered likely benign or benign based on one or more of the following criteria: it is a conservative change, it occurs at a poorly conserved position in the protein, it is predicted to be benign by multiple in silico algorithms, and/or has population frequency not consistent with disease.

Breakthrough Genomics
Classification: Benign. Review status: criteria provided, single submitter. Criteria: ACMG Guidelines, 2015. Collection method: not provided. Allele origin: germline. Inheritance: Autosomal recessive inheritance. Affected: yes.